The following is an entry in ClinVar:

ClinVar aggregate classification (germline): Uncertain significance (1 of 4 stars; one submission).

Allele frequency attached by ClinVar (database versions not stated): TOPMed below 0.00001; gnomAD 0.00001.
gnomAD v4.1: 3 of 1,613,820 alleles (0.00019%); highest among the groups gnomAD compares: Non-Finnish European, 0.00017%; no homozygotes.

Submission:

Ambry Genetics
Classification: Uncertain significance. Last evaluated: 2023-11-26. Review status: criteria provided, single submitter. Criteria: Ambry Variant Classification Scheme 2023. Collection method: clinical testing. Allele origin: germline.
Comment: The p.I329M variant (also known as c.987T>G), located in coding exon 4 of the TMPO gene, results from a T to G substitution at nucleotide position 987. The isoleucine at codon 329 is replaced by methionine, an amino acid with highly similar properties. This amino acid position is conserved. In addition, this alteration is predicted to be tolerated by in silico analysis. Since supporting evidence is limited at this time, the clinical significance of this alteration remains unclear.

NM_001032283.3(TMPO):c.565+1406T>G

Gene: TMPO (thymopoietin; plus strand). Cytogenetic location: 12q23.1.
Variant type: single nucleotide variant.
Coding change: c.565+1406T>G on transcript NM_001032283.3 (MANE Select); 1406 bases into the intron after coding-DNA position 565, T replaced by G.
Molecular consequence: intron variant. On other transcripts: missense variant (1).
Genome position (GRCh38, 1-based): chr12:98,533,244, T>G. VCF-style: chr12-98533244-T-G. GRCh37 (hg19) VCF-style: chr12-98927022-T-G.
Other names: c.987T>G, p.Ile329Met (NM_003276.2); c.565+1406T>G (NM_001307975.2, NM_001032284.3); short protein forms I329M.
Identifiers: ClinVar variation 3223189 (VCV003223189.1), dbSNP rs748775293, ClinGen allele CA386152232.
Genomic context (GRCh38, chr12:98,533,244, plus strand): 5'-TTCTCCTTCACTGATTAAAGAAACCACCACTGGTTACTATAAAGACATAGTAGAAAATAT[T>G]TGCGGTAGAGAGAAAAGTGGAATTCAACCATTATGTCCTGAGAGGTCCCATATTTCAGAT-3'